The following is an entry in ClinVar:

NM_018192.4(P3H2):c.44_49dup (p.Pro15_Leu16dup)

Genes: P3H2 (prolyl 3-hydroxylase 2; minus strand), LOC123464484 (Sharpr-MPRA regulatory region 10063; plus strand). Cytogenetic location: 3q28.
Variant type: Duplication.
Coding change: c.44_49dup on transcript NM_018192.4 (MANE Select); coding-DNA positions 44 to 49, 6 bases duplicated (CGCTGC; older notation c.44_49dupCGCTGC).
Protein change: p.Pro15_Leu16dup.
Molecular consequence: inframe insertion. On other transcripts: intron variant (1).
Genome position (GRCh38, 1-based): chr3:190,120,683-190,120,688, GCAGCG duplicated on the plus strand (CGCTGC on the coding strand, the reverse complement: P3H2 is on the minus strand); duplicating any 6 consecutive bases within chr3:190,120,683-190,120,693 gives the same sequence; the c. name uses the placement nearest the transcript's 3' end. VCF-style (leftmost placement, unchanged base first): chr3-190120682-A-AGCAGCG. GRCh37 (hg19) VCF-style: chr3-189838471-A-AGCAGCG.
Other names: c.-64+1515_-64+1520dup (NM_001134418.2).
Identifiers: ClinVar variation 1494535 (VCV001494535.7), dbSNP rs769106351, ClinGen allele CA2753447.

ClinVar aggregate classification (germline): Uncertain significance (1 of 4 stars; one submission).

Submission:

Labcorp Genetics (formerly Invitae), Labcorp
Classification: Uncertain significance. Last evaluated: 2025-12-29. Review status: criteria provided, single submitter. Criteria: Invitae Variant Classification Sherloc (09022015). Collection method: clinical testing. Allele origin: germline.
Comment: This variant, c.44_49dup, results in the insertion of 2 amino acid(s) of the P3H2 protein (p.Pro15_Leu16dup), but otherwise preserves the integrity of the reading frame. This variant is present in population databases (rs769106351, gnomAD 0.005%). This variant has not been reported in the literature in individuals affected with P3H2-related conditions. ClinVar contains an entry for this variant (Variation ID: 1494535). Experimental studies and prediction algorithms are not available or were not evaluated, and the functional significance of this variant is currently unknown. In summary, the available evidence is currently insufficient to determine the role of this variant in disease. Therefore, it has been classified as a Variant of Uncertain Significance.